The following is an entry in ClinVar:

ClinVar aggregate classification (germline): Uncertain significance (1 of 4 stars; one submission).

Conditions:
Inborn genetic diseases. Identifiers: MedGen C0950123, MeSH D030342.

gnomAD v4.1: 3 of 1,613,856 alleles (0.00019%); highest among the groups gnomAD compares: African/African-American, 0.004%; no homozygotes.

Submission:

Ambry Genetics
Classification: Uncertain significance for Inborn genetic diseases. Last evaluated: 2024-12-20. Review status: criteria provided, single submitter. Criteria: Ambry Variant Classification Scheme 2023. Collection method: clinical testing. Allele origin: germline.
Comment: The p.D262H variant (also known as c.784G>C), located in coding exon 7 of the ANKRD26 gene, results from a G to C substitution at nucleotide position 784. The aspartic acid at codon 262 is replaced by histidine, an amino acid with similar properties. This amino acid position is conserved. In addition, this alteration is predicted to be tolerated by in silico analysis. Based on the available evidence, the clinical significance of this variant remains unclear.

NM_014915.3(ANKRD26):c.784G>C (p.Asp262His)

Gene: ANKRD26 (ankyrin repeat domain containing 26; minus strand). Cytogenetic location: 10p12.1.
Variant type: single nucleotide variant.
Coding change: c.784G>C on transcript NM_014915.3 (MANE Select); coding-DNA position 784, G replaced by C.
Protein change: p.Asp262His; replaces aspartic acid 262 with histidine.
Molecular consequence: missense variant.
Genome position (GRCh38, 1-based): chr10:27,079,118, C>G on the plus strand (G>C on the coding strand, the complement: ANKRD26 is on the minus strand). VCF-style: chr10-27079118-C-G. GRCh37 (hg19) VCF-style: chr10-27368047-C-G.
Other names: c.784G>C, p.Asp262His (NM_001256053.2); short protein forms D262H.
Identifiers: ClinVar variation 3867905 (VCV003867905.1).
Genomic context (GRCh38, chr10:27,079,118, plus strand): 5'-AGAAAATTAAGTTCATGAGAGAGCACTTTACCTTAGTATCAAAATTGAGGTCTTCGTCAT[C>G]TGAGGTAGGCCATGAATCATCAACACCCGGTTTGCCAGAAAGCCTTTAGAACAAAAATAT-3'
Protein context (NP_055730.2, residues 252-272): PGVDDSWPTS[Asp262His]DEDLNFDTKN